The following is an entry in ClinVar:

NM_001330700.2(TOP2B):c.4733A>G (p.Asp1578Gly)

Gene: TOP2B (DNA topoisomerase II beta; minus strand). Cytogenetic location: 3p24.2.
Variant type: single nucleotide variant.
Coding change: c.4733A>G on transcript NM_001330700.2 (MANE Select); coding-DNA position 4733, A replaced by G.
Protein change: p.Asp1578Gly; replaces aspartic acid 1578 with glycine.
Molecular consequence: missense variant.
Genome position (GRCh38, 1-based): chr3:25,598,455, T>C on the plus strand (A>G on the coding strand, the complement: TOP2B is on the minus strand). VCF-style: chr3-25598455-T-C. GRCh37 (hg19) VCF-style: chr3-25639946-T-C.
Other names: c.4718A>G, p.Asp1573Gly (NM_001068.3); c.4718A>G (NM_001068.2); short protein forms D1573G, D1578G.
Identifiers: ClinVar variation 1481955 (VCV001481955.7), dbSNP rs1701987307, ClinGen allele CA351890161.

ClinVar aggregate classification (germline): Uncertain significance. Review status: criteria provided, multiple submitters, no conflicts (2 of 4 stars). 2 submissions from 2 submitters: Uncertain significance (2). Last evaluated 2023-08-10.

Allele frequency attached by ClinVar (database versions not stated): TOPMed below 0.00001.

Submissions (2):

Labcorp Genetics (formerly Invitae), Labcorp
Classification: Uncertain significance. Last evaluated: 2023-08-10. Review status: criteria provided, single submitter. Criteria: Invitae Variant Classification Sherloc (09022015). Collection method: clinical testing. Allele origin: germline.
Comment: This sequence change replaces aspartic acid, which is acidic and polar, with glycine, which is neutral and non-polar, at codon 1573 of the TOP2B protein (p.Asp1573Gly). This variant is not present in population databases (gnomAD no frequency). This variant has not been reported in the literature in individuals affected with TOP2B-related conditions. ClinVar contains an entry for this variant (Variation ID: 1481955). An algorithm developed to predict the effect of missense changes on protein structure and function (PolyPhen-2) suggests that this variant is likely to be tolerated. In summary, the available evidence is currently insufficient to determine the role of this variant in disease. Therefore, it has been classified as a Variant of Uncertain Significance.

Ambry Genetics
Classification: Uncertain significance. Last evaluated: 2022-05-27. Review status: criteria provided, single submitter. Criteria: Ambry Variant Classification Scheme 2023. Collection method: clinical testing. Allele origin: germline.